The following is an entry in ClinVar:

NM_021222.3(PRUNE1):c.240G>A (p.Glu80=)

Gene: PRUNE1 (prune exopolyphosphatase 1; plus strand). Cytogenetic location: 1q21.3.
Variant type: single nucleotide variant.
Coding change: c.240G>A on transcript NM_021222.3 (MANE Select); coding-DNA position 240, G replaced by A.
Protein change: p.Glu80=; no amino-acid change (glutamic acid 80 retained).
Molecular consequence: synonymous variant. On other transcripts: intron variant (1), 5 prime UTR variant (1).
Genome position (GRCh38, 1-based): chr1:151,018,574, G>A. VCF-style: chr1-151018574-G-A. GRCh37 (hg19) VCF-style: chr1-150991050-G-A.
Other names: c.-212+670G>A (NM_001303229.2); c.240G>A, p.Glu80= (NM_001303242.2); c.-20G>A (NM_001303243.2).
Identifiers: ClinVar variation 4873880 (VCV004873880.2).

ClinVar aggregate classification (germline): Likely benign (1 of 4 stars; one submission).

gnomAD v4.1: 5 of 1,614,066 alleles (0.00031%); highest among the groups gnomAD compares: Non-Finnish European, 0.00034%; no homozygotes.

Submission:

CeGaT Center for Human Genetics Tuebingen
Classification: Likely benign. Last evaluated: 2026-04-01. Review status: criteria provided, single submitter. Criteria: CeGaT Center For Human Genetics Tuebingen Variant Classification Criteria Version 2. Collection method: clinical testing. Allele origin: germline. Affected: yes. Observed: 1 variant allele.
Comment: PRUNE1: BP4, BP7